The following is an entry in ClinVar:

ClinVar aggregate classification (germline): Conflicting classifications of pathogenicity. Review status: criteria provided, conflicting classifications (1 of 4 stars). 2 submissions from 2 submitters: Uncertain significance (1); Likely benign (1). Last evaluated 2024-08-15.

Conditions:
Hereditary cancer-predisposing syndrome. Also called: Tumor predisposition; Neoplastic Syndromes, Hereditary; Hereditary Cancer Syndrome; Hereditary neoplastic syndrome. Identifiers: Orphanet 140162, MedGen C0027672, MeSH D009386, MONDO:0015356.

Submissions (2):

Blueprint Genetics
Classification: Likely benign. Last evaluated: 2024-08-15. Review status: criteria provided, single submitter. Criteria: ACMG Guidelines, 2015. Collection method: clinical testing. Allele origin: germline.

Color Diagnostics, LLC DBA Color Health
Classification: Uncertain significance for Hereditary cancer-predisposing syndrome. Last evaluated: 2023-07-12. Review status: criteria provided, single submitter. Criteria: ACMG Guidelines, 2015. Collection method: clinical testing. Allele origin: germline.
Comment: This variant deletes one nucleotide at the -8 position of intron 4 of the BRCA2 gene. To our knowledge, functional studies have not been reported for this variant. This variant has not been reported in individuals affected with BRCA2-related disorders in the literature. This variant has not been identified in the general population by the Genome Aggregation Database (gnomAD). The available evidence is insufficient to determine the role of this variant in disease conclusively. Therefore, this variant is classified as a Variant of Uncertain Significance.

NM_000059.4(BRCA2):c.426-8del

Gene: BRCA2 (BRCA2 DNA repair associated; plus strand). Cytogenetic location: 13q13.1.
Variant type: Deletion.
Coding change: c.426-8del on transcript NM_000059.4 (MANE Select); 8 bases into the intron before coding-DNA position 426, one base deleted (T; older notation c.426-8delT).
Molecular consequence: intron variant.
Genome position (GRCh38, 1-based): chr13:32,326,093, T deleted; the last of 4 consecutive T bases (chr13:32,326,090-32,326,093); deleting any one gives the same sequence. VCF-style (leftmost placement, unchanged base first): chr13-32326089-GT-G. GRCh37 (hg19) VCF-style: chr13-32900226-GT-G.
Other names: c.426-8delT (NM_000059.3).
Identifiers: ClinVar variation 628072 (VCV000628072.7), dbSNP rs1566218722, ClinGen allele CA913188547.